The following is an entry in ClinVar:

ClinVar aggregate classification (germline): Likely pathogenic (1 of 4 stars; one submission).

Conditions:
Dilated cardiomyopathy 1G (CMD1G). Identifiers: Orphanet 154, MedGen C1858763, MONDO:0011400, OMIM 604145.
Autosomal recessive limb-girdle muscular dystrophy type 2J (LGMDR10). Also called: MUSCULAR DYSTROPHY, LIMB-GIRDLE, AUTOSOMAL RECESSIVE 10; Limb-girdle muscular dystrophy, type 2J. Identifiers: Orphanet 140922, MedGen C1837342, MONDO:0012127, OMIM 608807.

Submission:

Labcorp Genetics (formerly Invitae), Labcorp
Classification: Likely pathogenic for Dilated cardiomyopathy 1G; Autosomal recessive limb-girdle muscular dystrophy type 2J. Last evaluated: 2024-10-18. Review status: criteria provided, single submitter. Criteria: Invitae Variant Classification Sherloc (09022015). Collection method: clinical testing. Allele origin: germline.
Comment: This sequence change creates a premature translational stop signal (p.Gln15575*) in the TTN gene. While this is not anticipated to result in nonsense mediated decay, it is expected to create a truncated TTN protein. This variant is not present in population databases (gnomAD no frequency). This variant has not been reported in the literature in individuals affected with TTN-related conditions. This variant is located in the I band of TTN (PMID: 25589632). Truncating variants in this region have been reported in individuals affected with autosomal recessive centronuclear myopathy (PMID: 23975875, internal data). Truncating variants in this region have also been identified in individuals affected with autosomal dominant dilated cardiomyopathy and/or cardio-related conditions (PMID: 27869827, 32964742, internal data). In summary, the currently available evidence indicates that the variant is pathogenic, but additional data are needed to prove that conclusively. Therefore, this variant has been classified as Likely Pathogenic.

Literature cited by the submitters: PubMed 25589632; PubMed 23975875; PubMed 27869827; PubMed 32964742.

NM_001267550.2(TTN):c.46723C>T (p.Gln15575Ter)

Genes: TTN-AS1 (TTN antisense RNA 1; plus strand), TTN (titin; minus strand). Cytogenetic location: 2q31.2.
Variant type: single nucleotide variant.
Coding change: c.46723C>T on transcript NM_001267550.2 (MANE Select); coding-DNA position 46723, C replaced by T.
Protein change: p.Gln15575Ter; replaces glutamine 15575 with a stop codon.
Molecular consequence: nonsense.
Genome position (GRCh38, 1-based): chr2:178,618,827, G>A on the plus strand (C>T on the coding strand, the complement: TTN is on the minus strand). VCF-style: chr2-178618827-G-A. GRCh37 (hg19) VCF-style: chr2-179483554-G-A.
Other names: c.41800C>T, p.Gln13934Ter (NM_001256850.1); c.19528C>T, p.Gln6510Ter (NM_003319.4); c.39019C>T, p.Gln13007Ter (NM_133378.4); c.19903C>T, p.Gln6635Ter (NM_133432.3); c.20104C>T, p.Gln6702Ter (NM_133437.4); short protein forms Q6510*, Q13007*, Q13934*, Q15575*, Q6635*, Q6702*.
Identifiers: ClinVar variation 2944149 (VCV002944149.3), dbSNP rs2470918466, ClinGen allele CA349622632.